The following is an entry in ClinVar:

NM_000424.4(KRT5):c.351C>T (p.Leu117=)

Gene: KRT5 (keratin 5; minus strand). Cytogenetic location: 12q13.13.
Variant type: single nucleotide variant.
Coding change: c.351C>T on transcript NM_000424.4 (MANE Select); coding-DNA position 351, C replaced by T.
Protein change: p.Leu117=; no amino-acid change (leucine 117 retained).
Molecular consequence: synonymous variant.
Genome position (GRCh38, 1-based): chr12:52,519,946, G>A on the plus strand (C>T on the coding strand, the complement: KRT5 is on the minus strand). VCF-style: chr12-52519946-G-A. GRCh37 (hg19) VCF-style: chr12-52913730-G-A.
Identifiers: ClinVar variation 256043 (VCV000256043.15), dbSNP rs11549951, ClinGen allele CA6582859.

ClinVar aggregate classification (germline): Benign. Review status: criteria provided, multiple submitters, no conflicts (2 of 4 stars). 5 submissions from 5 submitters: Benign (5). Last evaluated 2026-02-03.

Conditions:
Epidermolysis bullosa simplex. Also called: Epidermolysis bullosa simplex, Weber-Cockayne type (subtype); Epidermolysis bullosa simplex, Dowling-Meara type (subtype); Epidermolysis bullosa simplex with mottled pigmentation (subtype). Identifiers: Orphanet 304, MedGen C0079298, MONDO:0017610.

Allele frequency attached by ClinVar (database versions not stated): TOPMed 0.08105; gnomAD 0.07903 and 0.07754; 1000 Genomes Project 30x 0.06855; ExAC 0.07218; gnomAD exomes 0.07228 and 0.07415; ESP Exome Variant Server 0.07835; 1000 Genomes Project 0.06849.
gnomAD v4.1: 117,818 of 1,613,572 alleles (7.3%); highest among the groups gnomAD compares: Middle Eastern, 13%; 4,806 homozygotes.

Submissions (5):

Labcorp Genetics (formerly Invitae), Labcorp
Classification: Benign. Last evaluated: 2026-02-03. Review status: criteria provided, single submitter. Criteria: Invitae Variant Classification Sherloc (09022015). Collection method: clinical testing. Allele origin: germline.

Illumina Laboratory Services, Illumina
Classification: Benign for Epidermolysis bullosa simplex. Last evaluated: 2018-01-12. Review status: criteria provided, single submitter. Criteria: ICSL Variant Classification Criteria 13 December 2019. Collection method: clinical testing. Allele origin: germline.
Comment: This variant was observed in the ICSL laboratory as part of a predisposition screen in an ostensibly healthy population. It had not been previously curated by ICSL or reported in the Human Gene Mutation Database (HGMD: prior to June 1st, 2018), and was therefore a candidate for classification through an automated scoring system. Utilizing variant allele frequency, disease prevalence and penetrance estimates, and inheritance mode, an automated score was calculated to assess if this variant is too frequent to cause the disease. Based on the score and internal cut-off values, a variant classified as benign is not then subjected to further curation. The score for this variant resulted in a classification of benign for this disease.

GeneDx
Classification: Benign. Last evaluated: 2015-03-03. Review status: criteria provided, single submitter. Criteria: GeneDx Variant Classification Process June 2021. Collection method: clinical testing. Allele origin: germline. Affected: yes.

Breakthrough Genomics
Classification: Benign. Review status: criteria provided, single submitter. Criteria: ACMG Guidelines, 2015. Collection method: not provided. Allele origin: germline. Inheritance: Autosomal recessive inheritance. Affected: yes.

PreventionGenetics, part of Exact Sciences
Classification: Benign. Review status: criteria provided, single submitter. Criteria: ACMG Guidelines, 2015. Collection method: clinical testing. Allele origin: germline.